The following is an entry in ClinVar:

NM_001267550.2(TTN):c.95993A>C (p.Glu31998Ala)

Genes: TTN (titin; minus strand), TTN-AS1 (TTN antisense RNA 1; plus strand). Cytogenetic location: 2q31.2.
Variant type: single nucleotide variant.
Coding change: c.95993A>C on transcript NM_001267550.2 (MANE Select); coding-DNA position 95993, A replaced by C.
Protein change: p.Glu31998Ala; replaces glutamic acid 31998 with alanine.
Molecular consequence: missense variant.
Genome position (GRCh38, 1-based): chr2:178,544,236, T>G on the plus strand (A>C on the coding strand, the complement: TTN is on the minus strand). VCF-style: chr2-178544236-T-G. GRCh37 (hg19) VCF-style: chr2-179408963-T-G.
Other names: c.91070A>C, p.Glu30357Ala (NM_001256850.1); c.68798A>C, p.Glu22933Ala (NM_003319.4); c.88289A>C, p.Glu29430Ala (NM_133378.4); c.69173A>C, p.Glu23058Ala (NM_133432.3); c.69374A>C, p.Glu23125Ala (NM_133437.4); short protein forms E22933A, E31998A, E29430A, E23125A, E23058A, E30357A.
Identifiers: ClinVar variation 1755908 (VCV001755908.2), dbSNP rs1181902339, ClinGen allele CA349455220.

ClinVar aggregate classification (germline): Uncertain significance (1 of 4 stars; one submission).

Conditions:
Cardiovascular phenotype. Identifiers: MedGen CN230736.

Allele frequency attached by ClinVar (database versions not stated): gnomAD exomes below 0.00001.
gnomAD v4.1: 2 of 1,613,702 alleles (0.00012%); highest among the groups gnomAD compares: Non-Finnish European, 0.00017%; no homozygotes.

Submission:

Ambry Genetics
Classification: Uncertain significance for Cardiovascular phenotype. Last evaluated: 2020-03-25. Review status: criteria provided, single submitter. Criteria: Ambry Variant Classification Scheme 2023. Collection method: clinical testing. Allele origin: germline.
Comment: The p.E22933A variant (also known as c.68798A>C), located in coding exon 172 of the TTN gene, results from an A to C substitution at nucleotide position 68798. The glutamic acid at codon 22933 is replaced by alanine, an amino acid with dissimilar properties. This amino acid position is highly conserved in available vertebrate species. In addition, this alteration is predicted to be tolerated by in silico analysis. Since supporting evidence is limited at this time, the clinical significance of this alteration remains unclear.